The following is an entry in ClinVar:

ClinVar aggregate classification (germline): Pathogenic. Review status: criteria provided, multiple submitters, no conflicts (2 of 4 stars). 14 submissions from 13 submitters: Pathogenic (11). 3 of the submissions do not count toward it. Last evaluated 2025-10-24.

Conditions:
Melanoma, uveal, susceptibility to, 2 (UVM2). Also called: Melanoma, uveal 2. Identifiers: Orphanet 39044, MedGen C1847723, MONDO:0011696, OMIM 606661.
BAP1 Cancer Syndrome. Identifiers: MedGen CN235077.
Hereditary cancer-predisposing syndrome. Also called: Hereditary neoplastic syndrome; Tumor predisposition; Hereditary Cancer Syndrome; Neoplastic Syndromes, Hereditary. Identifiers: Orphanet 140162, MedGen C0027672, MeSH D009386, MONDO:0015356.
BAP1-related tumor predisposition syndrome (TPDS1). Also called: Tumor susceptibility linked to germline BAP1 mutations; COMMON Syndrome; TUMOR PREDISPOSITION SYNDROME 1; BAP1 tumor predisposition syndrome. Identifiers: Orphanet 289539, MedGen C3280492, MONDO:0013692, OMIM 614327.

Submissions (14):

Labcorp Genetics (formerly Invitae), Labcorp
Classification: Pathogenic for BAP1-related tumor predisposition syndrome. Last evaluated: 2025-10-24. Review status: criteria provided, single submitter. Criteria: Invitae Variant Classification Sherloc (09022015). Collection method: clinical testing. Allele origin: germline.
Comment: This sequence change creates a premature translational stop signal (p.Leu573Trpfs*3) in the BAP1 gene. It is expected to result in an absent or disrupted protein product. Loss-of-function variants in BAP1 are known to be pathogenic (PMID: 21874000, 23684012). This variant is not present in population databases (gnomAD no frequency). This premature translational stop signal has been observed in individual(s) with mesothelioma and uveal melanoma (PMID: 21874000, 25687217, 26683624). This variant is also known as 1832delC. ClinVar contains an entry for this variant (Variation ID: 221278). For these reasons, this variant has been classified as Pathogenic.

GeneDx
Classification: Pathogenic. Last evaluated: 2025-09-03. Review status: criteria provided, single submitter. Criteria: GeneDx Variant Classification Process June 2021. Collection method: clinical testing. Allele origin: germline. Affected: yes.
Comment: Frameshift variant predicted to result in protein truncation or nonsense mediated decay in a gene for which loss-of-function is a known mechanism of disease; Observed in individuals with a personal or family history consistent with pathogenic variants in this gene (PMID: 26683624, 25687217, 26719535, 31206729, 32002398); Not observed at significant frequency in large population cohorts (gnomAD); This variant is associated with the following publications: (PMID: 32782288, 38091987, 21874000, 25687217, 26556299, 27813512, 24705312, 28793149, 31206729, 26748926, 26096145, 24855403, 32547381, 26719535, 30883995, 34628055, 30975761, 37556141, 36513904, 32002398, 26683624)

Quest Diagnostics Nichols Institute San Juan Capistrano
Classification: Pathogenic. Last evaluated: 2025-07-28. Review status: criteria provided, single submitter. Criteria: Quest Diagnostics criteria. Collection method: clinical testing. Allele origin: unknown.
Comment: The BAP1 c.1717del (p.Leu573Trpfs*3) variant alters the translational reading frame of the BAP1 mRNA and causes the premature termination of BAP1 protein synthesis. This variant has been reported in the published literature in multiple individuals and families with malignant mesothelioma and/or uveal melanoma (PMIDs: 21874000 (2011), 25687217 (2015), 26683624 (2015), 26719535 (2016), 32002398 (2020), and 36513904 (2023)). It has also been reported in an individual with ovarian cancer (PMID: 36556299 (2016)), as well as an individual with melanocytic BAP1–mutated atypical intradermal tumors (MBAITs) (PMID: 28793149 (2017)). This variant has not been reported in large, multi-ethnic general populations (Genome Aggregation Database). Based on the available information, this variant is classified as pathogenic.

ARUP Laboratories, Molecular Genetics and Genomics, ARUP Laboratories
Classification: Pathogenic. Last evaluated: 2025-06-17. Review status: criteria provided, single submitter. Criteria: ARUP Molecular Germline Variant Investigation Process 2024. Collection method: clinical testing. Allele origin: germline.
Comment: The BAP1 c.1717del; p.Leu573TrpfsTer3 variant (rs869025212, ClinVar Variation ID: 221278) is reported in the literature in individuals affected with malignant mesothelioma, uveal melanoma and other BAP1-associated cancers (Carbone 2015, Cebulla 2015, Haugh 2017, Testa 2011, Wysozan 2019). This variant is absent from the Genome Aggregation Database (v2.1.1), indicating it is not a common polymorphism. This variant causes a frameshift by deleting a single nucleotide, so it is predicted to result in a truncated protein or mRNA subject to nonsense-mediated decay. Based on available information, this variant is considered to be pathogenic. References: Carbone M et al. Combined Genetic and Genealogic Studies Uncover a Large BAP1 Cancer Syndrome Kindred Tracing Back Nine Generations to a Common Ancestor from the 1700s. PLoS Genet. 2015 Dec 18;11(12):e1005633. PMID: 26683624. Cebulla CM et al. Analysis of BAP1 Germline Gene Mutation in Young Uveal Melanoma Patients. Ophthalmic Genet. 2015 Jun;36(2):126-31. PMID: 25687217. Haugh AM et al. Genotypic and Phenotypic Features of BAP1 Cancer Syndrome: A Report of 8 New Families and Review of Cases in the Literature. JAMA Dermatol. 2017 Oct 1;153(10):999-1006. PMID: 28793149. Testa JR et al. Germline BAP1 mutations predispose to malignant mesothelioma. Nat Genet. 2011 Aug 28;43(10):1022-5. PMID: 21874000. Wysozan TR et al. The morphologic spectrum of germline-mutated BAP1-inactivated melanocytic tumors includes lesions with conventional nevic melanocytes: A case report and review of literature. J Cutan Pathol. 2019 Nov;46(11):852-857. PMID: 31206729.

Ambry Genetics
Classification: Pathogenic for Hereditary cancer-predisposing syndrome. Last evaluated: 2024-11-01. Review status: criteria provided, single submitter. Criteria: Ambry Variant Classification Scheme 2023. Collection method: clinical testing. Allele origin: germline.
Comment: The c.1717delC pathogenic mutation, located in coding exon 13 of the BAP1 gene, results from a deletion of one nucleotide at nucleotide position 1717, causing a translational frameshift with a predicted alternate stop codon (p.L573Wfs*3). This mutation has been reported in multiple kindreds with malignant mesothelioma, uveal melanoma, and/or other BAP-1 associated cancers (Cebulla CM et al. Ophthalmic Genet. 2015 Jun;36:126-31; Ohar JA et al. Cancer Res. 2016 Jan;76:206-15; Testa JR et al. Nat. Genet. 2011 Oct;43:1022-5; Carbone M et al. PLoS Genet. 2015 Dec;11:e1005633; Schrader KA et al. JAMA Oncol. 2016 Jan;2:104-11; Haugh AM et al. JAMA Dermatol. 2017 Oct;153:999-1006; Hassan R et al. Proc Natl Acad Sci U S A 2019 04;116(18):9008-9013). This variant is considered to be rare based on population cohorts in the Genome Aggregation Database (gnomAD). In addition to the clinical data presented in the literature, this alteration is expected to result in loss of function by premature protein truncation or nonsense-mediated mRNA decay. As such, this alteration is interpreted as a disease-causing mutation.

Myriad Genetics, Inc.
Classification: Pathogenic for BAP1-related tumor predisposition syndrome. Last evaluated: 2023-01-10. Review status: criteria provided, single submitter. Criteria: Myriad Autosomal Dominant, Autosomal Recessive and X-Linked Classification Criteria (2023). Collection method: clinical testing. Allele origin: unknown.
Comment: This variant is considered pathogenic. This variant creates a frameshift predicted to result in premature protein truncation.

Baylor Genetics
Classification: Pathogenic for BAP1-related tumor predisposition syndrome. Last evaluated: 2022-11-17. Review status: criteria provided, single submitter. Criteria: ACMG Guidelines, 2015. Collection method: clinical testing. Allele origin: unknown.

Color Diagnostics, LLC DBA Color Health
Classification: Pathogenic for Hereditary cancer-predisposing syndrome. Last evaluated: 2022-05-10. Review status: criteria provided, single submitter. Criteria: ACMG Guidelines, 2015. Collection method: clinical testing. Allele origin: germline.
Comment: This variant deletes 1 nucleotide in exon 13 of the BAP1 gene, creating a frameshift and premature translation stop signal. This variant is expected to result in an absent or non-functional protein product. This variant has been reported in individuals affected with uveal melanoma, malignant mesothelioma, and melanocytic BAP1-mutated atypical intradermal tumors (MBAITs; PMID: 21874000, 25687217, 26683624, 26719535, 28793149). This variant has not been identified in the general population by the Genome Aggregation Database (gnomAD). Loss of BAP1 function is a known mechanism of disease. Based on the available evidence, this variant is classified as Pathogenic.

Genetic Services Laboratory, University of Chicago
Classification: Pathogenic. Last evaluated: 2021-11-17. Review status: criteria provided, single submitter. Criteria: ACMG Guidelines, 2015. Collection method: clinical testing. Allele origin: germline. Affected: yes.
Comment: DNA sequence analysis of the BAP1 gene demonstrated a single base pair deletion in exon 13, c.1717del. This pathogenic sequence change results in an amino acid frameshift and creates a premature stop codon three amino acids downstream of the change, p.Leu573Trpfs*3. This pathogenic sequence change is predicted to result in an abnormal transcript, which may be degraded, or may lead to the production of a truncated BAP1 protein with potentially abnormal function. The c.1717del sequence change has not been described in population databases such as ExAC and gnomAD. This pathogenic sequence change has previously been described in individual with BAP1-related tumors and cancers (PMID: 32002398, 26719535, 31206729, 28793149, 26683624, 21874000, 25687217). Collectively, these evidences indicated this sequence change is pathogenic, however functional studies have not been performed to prove this conclusively.

Center of Genomic medicine, Geneva, University Hospital of Geneva
Classification: Pathogenic for BAP1-related tumor predisposition syndrome. Last evaluated: 2017-07-10. Review status: criteria provided, single submitter. Criteria: ACMG Guidelines, 2015. Collection method: clinical testing. Allele origin: germline. Affected: yes.

Thoracic Oncology, University of Hawaii Cancer Center
Classification: Pathogenic for BAP1 Cancer Syndrome. Last evaluated: 2015-10-01. Review status: criteria provided, single submitter. Criteria: Carbone et al. (PLoS Genet 2015). Collection method: research. Allele origin: germline. Inheritance: Autosomal dominant inheritance. Affected: yes. Observed: 6 variant alleles, 6 heterozygotes. Clinical features observed: malignant mesothelioma, uveal melanoma, renal cell carcinoma, basal cell carcinoma.
Comment: We found 100% penetrance of at least one cancer type in every individual carrying this variant. Our results indicate that this variant has a high prognostic significance.

OMIM
Classification: risk factor for MELANOMA, UVEAL, SUSCEPTIBILITY TO, 2. Last evaluated: 2022-08-04. Review status: no assertion criteria provided. Collection method: literature only. Allele origin: unknown. Not counted in ClinVar's aggregate classification.

True Health Diagnostics
Classification: Pathogenic for Hereditary cancer-predisposing syndrome. Last evaluated: 2018-06-05. Review status: no assertion criteria provided. Collection method: clinical testing. Allele origin: germline. Not counted in ClinVar's aggregate classification.

OMIM
Classification: Pathogenic for TUMOR PREDISPOSITION SYNDROME 1. Last evaluated: 2011-08-28. Review status: no assertion criteria provided. Collection method: literature only. Allele origin: germline. Not counted in ClinVar's aggregate classification.

Literature cited by the submitters: PubMed 21874000 (cited by 4 submitters); PubMed 23684012 (cited by Labcorp Genetics (formerly Invitae), Labcorp); PubMed 25687217 (cited by 4 submitters); PubMed 26683624 (cited by 4 submitters); PubMed 32002398 (cited by Quest Diagnostics Nichols Institute San Juan Capistrano and OMIM); PubMed 28793149 (cited by Quest Diagnostics Nichols Institute San Juan Capistrano and Ambry Genetics); PubMed 26719535 (cited by Quest Diagnostics Nichols Institute San Juan Capistrano and Ambry Genetics); PubMed 26556299 (cited by Quest Diagnostics Nichols Institute San Juan Capistrano and Ambry Genetics); PubMed 36513904 (cited by Quest Diagnostics Nichols Institute San Juan Capistrano).

NM_004656.4(BAP1):c.1717del (p.Leu573fs)

Gene: BAP1 (BRCA1 associated deubiquitinase 1; minus strand). Cytogenetic location: 3p21.1.
Variant type: Deletion.
Coding change: c.1717del on transcript NM_004656.4 (MANE Select); coding-DNA position 1717, one base deleted (C; older notation c.1717delC).
Protein change: p.Leu573fs; shifts the reading frame from leucine 573.
Molecular consequence: frameshift variant.
Genome position (GRCh38, 1-based): chr3:52,403,428, G deleted on the plus strand (C on the coding strand, the reverse complement: BAP1 is on the minus strand); the first of 4 consecutive G bases (chr3:52,403,428-52,403,431); deleting any one gives the same sequence. VCF-style (leftmost placement, unchanged base first): chr3-52403427-AG-A. GRCh37 (hg19) VCF-style: chr3-52437443-AG-A.
Other names: short protein forms L573fs.
Identifiers: ClinVar variation 221278 (VCV000221278.36), dbSNP rs869025212, ClinGen allele CA351499.